The following is an entry in ClinVar:

ClinVar aggregate classification (germline): Uncertain significance (1 of 4 stars; one submission).

Conditions:
Cardiovascular phenotype. Identifiers: MedGen CN230736.

Submission:

Ambry Genetics
Classification: Uncertain significance for Cardiovascular phenotype. Last evaluated: 2025-09-24. Review status: criteria provided, single submitter. Criteria: Ambry Variant Classification Scheme 2023. Collection method: clinical testing. Allele origin: germline.
Comment: The p.I121R variant (also known as c.362T>G), located in coding exon 2 of the ALMS1 gene, results from a T to G substitution at nucleotide position 362. The isoleucine at codon 121 is replaced by arginine, an amino acid with similar properties. This amino acid position is poorly conserved in available vertebrate species. In addition, this alteration is predicted to be tolerated by in silico analysis. Based on the available evidence, the clinical significance of this variant remains unclear.

NM_001378454.1(ALMS1):c.359T>G (p.Ile120Arg)

Gene: ALMS1 (ALMS1 centrosome and basal body associated protein; plus strand). Cytogenetic location: 2p13.1.
Variant type: single nucleotide variant.
Coding change: c.359T>G on transcript NM_001378454.1 (MANE Select); coding-DNA position 359, T replaced by G.
Protein change: p.Ile120Arg; replaces isoleucine 120 with arginine.
Molecular consequence: missense variant.
Genome position (GRCh38, 1-based): chr2:73,408,656, T>G. VCF-style: chr2-73408656-T-G. GRCh37 (hg19) VCF-style: chr2-73635784-T-G.
Other names: c.362T>G, p.Ile121Arg (NM_015120.4); short protein forms I121R, I120R.
Identifiers: ClinVar variation 4613463 (VCV004613463.1).